The following is an entry in ClinVar:

ClinVar aggregate classification (germline): Conflicting classifications of pathogenicity. Review status: criteria provided, conflicting classifications (1 of 4 stars). 2 submissions from 2 submitters: Likely pathogenic (1); Uncertain significance (1). Last evaluated 2026-04-03.

Conditions:
Pheochromocytoma. Also called: MAX-Related Hereditary Paraganglioma-Pheochromocytoma Syndrome. Identifiers: Orphanet 29072, MedGen C0031511, MONDO:0008233, OMIM 171300, HP:0002666.
Pheochromocytoma/paraganglioma syndrome 4. Also called: CAROTID BODY TUMORS AND MULTIPLE EXTRAADRENAL PHEOCHROMOCYTOMAS; PARAGANGLIOMA, FAMILIAL MALIGNANT; PARAGANGLIOMAS, HEREDITARY EXTRAADRENAL; PHEOCHROMOCYTOMA, FAMILIAL EXTRAADRENAL; Paragangliomas 4; SDHB-Related Hereditary Paraganglioma-Pheochromocytoma Syndrome (Paragangliomas 4). Identifiers: Orphanet 29072, MedGen C1861848, MONDO:0007273, OMIM 115310.
Gastrointestinal stromal tumor. Also called: Gastrointestinal stromal tumor, somatic; Gastrointestinal stroma tumor. Identifiers: Orphanet 44890, MedGen C0238198, MeSH D046152, MONDO:0011719, OMIM 606764, HP:0100723.
Hereditary cancer-predisposing syndrome. Also called: Neoplastic Syndromes, Hereditary; Tumor predisposition; Hereditary Cancer Syndrome; Hereditary neoplastic syndrome. Identifiers: Orphanet 140162, MedGen C0027672, MeSH D009386, MONDO:0015356.

Allele frequency attached by ClinVar (database versions not stated): gnomAD exomes below 0.00001.
gnomAD v4.1: 2 of 1,613,432 alleles (0.00012%); highest among the groups gnomAD compares: Non-Finnish European, 0.00017%; no homozygotes.

Submissions (2):

Ambry Genetics
Classification: Likely pathogenic for Hereditary cancer-predisposing syndrome. Last evaluated: 2026-04-03. Review status: criteria provided, single submitter. Criteria: Ambry Variant Classification Scheme 2023. Collection method: clinical testing. Allele origin: germline.
Comment: The p.S92T variant (also known as c.274T>A), located in coding exon 3 of the SDHB gene, results from a T to A substitution at nucleotide position 274. The serine at codon 92 is replaced by threonine, an amino acid with similar properties. This variant was reported in individual(s) with features consistent with SDHB-related hereditary pheochromocytoma-paraganglioma (Janeway KA et al. Proc Natl Acad Sci U S A, 2011 Jan;108:314-8; Nannini M et al. J Med Genet, 2013 Oct;50:653-61; Miettinen M et al. Am J Surg Pathol, 2013 Feb;37:234-40; Gaal J et al. Mod Pathol, 2011 Jan;24:147-51; Ambry internal data). This amino acid position is highly conserved in available vertebrate species. In addition, this alteration is predicted to be deleterious by in silico analysis. Based on the majority of available evidence to date, this variant is likely to be pathogenic.

Labcorp Genetics (formerly Invitae), Labcorp
Classification: Uncertain significance for Gastrointestinal stromal tumor; Pheochromocytoma/paraganglioma syndrome 4; Pheochromocytoma. Last evaluated: 2023-11-04. Review status: criteria provided, single submitter. Criteria: Invitae Variant Classification Sherloc (09022015). Collection method: clinical testing. Allele origin: germline.
Comment: This sequence change replaces serine, which is neutral and polar, with threonine, which is neutral and polar, at codon 92 of the SDHB protein (p.Ser92Thr). This variant is not present in population databases (gnomAD no frequency). This missense change has been observed in individual(s) with gastrointestinal stromal tumor syndrome (PMID: 20890271, 21173220, 23282968). ClinVar contains an entry for this variant (Variation ID: 1795550). Advanced modeling of protein sequence and biophysical properties (such as structural, functional, and spatial information, amino acid conservation, physicochemical variation, residue mobility, and thermodynamic stability) performed at Invitae indicates that this missense variant is expected to disrupt SDHB protein function with a positive predictive value of 80%. In summary, the available evidence is currently insufficient to determine the role of this variant in disease. Therefore, it has been classified as a Variant of Uncertain Significance.

Literature cited by the submitters: PubMed 20890271 (cited by Ambry Genetics and Labcorp Genetics (formerly Invitae), Labcorp); PubMed 21173220 (cited by Ambry Genetics and Labcorp Genetics (formerly Invitae), Labcorp); PubMed 23282968 (cited by Ambry Genetics and Labcorp Genetics (formerly Invitae), Labcorp); PubMed 23833252 (cited by Ambry Genetics).

NM_003000.3(SDHB):c.274T>A (p.Ser92Thr)

Gene: SDHB (succinate dehydrogenase complex iron sulfur subunit B; minus strand). Cytogenetic location: 1p36.13.
Variant type: single nucleotide variant.
Coding change: c.274T>A on transcript NM_003000.3 (MANE Select); coding-DNA position 274, T replaced by A.
Protein change: p.Ser92Thr; replaces serine 92 with threonine.
Molecular consequence: missense variant.
Genome position (GRCh38, 1-based): chr1:17,033,072, A>T on the plus strand (T>A on the coding strand, the complement: SDHB is on the minus strand). VCF-style: chr1-17033072-A-T. GRCh37 (hg19) VCF-style: chr1-17359567-A-T.
Other names: c.274T>A, p.Ser92Thr (NM_001407361.1); short protein forms S92T.
Identifiers: ClinVar variation 1795550 (VCV001795550.7), dbSNP rs1553178041, ClinGen allele CA338276430.